The following is an entry in ClinVar:

ClinVar aggregate classification (germline): Likely benign. Review status: criteria provided, multiple submitters, no conflicts (2 of 4 stars). 2 submissions from 2 submitters: Likely benign (2). Last evaluated 2023-12-12.

Allele frequency attached by ClinVar (database versions not stated): TOPMed below 0.00001; gnomAD 0.00001; gnomAD exomes 0.00001.
gnomAD v4.1: 15 of 1,613,788 alleles (0.00093%); highest among the groups gnomAD compares: African/African-American, 0.0027%; no homozygotes.

Submissions (2):

Labcorp Genetics (formerly Invitae), Labcorp
Classification: Likely benign. Last evaluated: 2023-12-12. Review status: criteria provided, single submitter. Criteria: Invitae Variant Classification Sherloc (09022015). Collection method: clinical testing. Allele origin: germline.

CeGaT Center for Human Genetics Tuebingen
Classification: Likely benign. Last evaluated: 2023-09-01. Review status: criteria provided, single submitter. Criteria: CeGaT Center For Human Genetics Tuebingen Variant Classification Criteria Version 2. Collection method: clinical testing. Allele origin: germline. Affected: yes. Observed: 1 variant allele.
Comment: XPC: BP4, BP7

NM_004628.5(XPC):c.1983C>T (p.Pro661=)

Gene: XPC (XPC complex subunit, DNA damage recognition and repair factor; minus strand). Cytogenetic location: 3p25.1.
Variant type: single nucleotide variant.
Coding change: c.1983C>T on transcript NM_004628.5 (MANE Select); coding-DNA position 1983, C replaced by T.
Protein change: p.Pro661=; no amino-acid change (proline 661 retained).
Molecular consequence: synonymous variant. On other transcripts: intron variant (1).
Genome position (GRCh38, 1-based): chr3:14,156,385, G>A on the plus strand (C>T on the coding strand, the complement: XPC is on the minus strand). VCF-style: chr3-14156385-G-A. GRCh37 (hg19) VCF-style: chr3-14197885-G-A.
Other names: c.1404C>T, p.Pro468= (NM_001354726.2); c.1965C>T, p.Pro655= (NM_001354729.2); c.1737C>T, p.Pro579= (NM_001354730.2); c.1872+1626C>T (NM_001354727.2).
Identifiers: ClinVar variation 1133267 (VCV001133267.32), dbSNP rs1255758517, ClinGen allele CA432567740.
Genomic context (GRCh38, chr3:14,156,385, plus strand): 5'-CCTCACGCACCTGGAGTAGACCGCTTCTCCACGACAATACCCAAGGATGGCAGCTGTCTC[G>A]GGATAGATGGCCTCATATTTCAGGAGATGCCGCTTCAGGGCATACAGAGGGTGGTTCTTA-3'
Protein context (NP_004619.3, residues 651-671): RHLLKYEAIY[Pro661=]ETAAILGYCR